The following is an entry in ClinVar:

NM_001211.6(BUB1B):c.434A>G (p.Gln145Arg)

Gene: BUB1B (BUB1 mitotic checkpoint serine/threonine kinase B; plus strand). Cytogenetic location: 15q15.1.
Variant type: single nucleotide variant.
Coding change: c.434A>G on transcript NM_001211.6 (MANE Select); coding-DNA position 434, A replaced by G.
Protein change: p.Gln145Arg; replaces glutamine 145 with arginine.
Molecular consequence: missense variant.
Genome position (GRCh38, 1-based): chr15:40,176,526, A>G. VCF-style: chr15-40176526-A-G. GRCh37 (hg19) VCF-style: chr15-40468727-A-G.
Other names: short protein forms Q145R.
Identifiers: ClinVar variation 2450819 (VCV002450819.2), dbSNP rs2037225520, ClinGen allele CA391681152.

ClinVar aggregate classification (germline): Uncertain significance (1 of 4 stars; one submission).

Conditions:
Inborn genetic diseases. Identifiers: MedGen C0950123, MeSH D030342.

Submission:

Ambry Genetics
Classification: Uncertain significance for Inborn genetic diseases. Last evaluated: 2022-12-24. Review status: criteria provided, single submitter. Criteria: Ambry Variant Classification Scheme 2023. Collection method: clinical testing. Allele origin: germline.
Comment: The p.Q145R variant (also known as c.434A>G), located in coding exon 5 of the BUB1B gene, results from an A to G substitution at nucleotide position 434. The glutamine at codon 145 is replaced by arginine, an amino acid with highly similar properties. This amino acid position is conserved. In addition, the in silico prediction for this alteration is inconclusive. Since supporting evidence is limited at this time, the clinical significance of this alteration remains unclear.